The following is an entry in ClinVar:

NM_206965.2(FTCD):c.378C>G (p.Tyr126Ter)

Genes: FTCD-AS1 (FTCD antisense RNA 1; plus strand), FTCD (formimidoyltransferase cyclodeaminase; minus strand). Cytogenetic location: 21q22.3.
Variant type: single nucleotide variant.
Coding change: c.378C>G on transcript NM_206965.2 (MANE Select); coding-DNA position 378, C replaced by G.
Protein change: p.Tyr126Ter; replaces tyrosine 126 with a stop codon.
Molecular consequence: nonsense.
Genome position (GRCh38, 1-based): chr21:46,151,970, G>C on the plus strand (C>G on the coding strand, the complement: FTCD is on the minus strand). VCF-style: chr21-46151970-G-C. GRCh37 (hg19) VCF-style: chr21-47571884-G-C.
Other names: c.378C>G, p.Tyr126Ter (NM_001320412.2, NM_006657.3); short protein forms Y126*.
Identifiers: ClinVar variation 459967 (VCV000459967.6), dbSNP rs374724805, ClinGen allele CA10073932.

ClinVar aggregate classification (germline): Pathogenic (1 of 4 stars; one submission).

Conditions:
Glutamate formiminotransferase deficiency. Also called: Arakawa syndrome 1; Formiminoglutamic aciduria. Identifiers: Orphanet 51208, MedGen C0268609, MONDO:0009240, OMIM 229100.

gnomAD v4.1: 13 of 1,566,022 alleles (0.00083%); highest among the groups gnomAD compares: Non-Finnish European, 0.00061%; no homozygotes.

Submission:

Labcorp Genetics (formerly Invitae), Labcorp
Classification: Pathogenic for Glutamate formiminotransferase deficiency. Last evaluated: 2017-01-06. Review status: criteria provided, single submitter. Criteria: Invitae Variant Classification Sherloc (09022015). Collection method: clinical testing. Allele origin: germline.
Comment: This sequence change creates a premature translational stop signal at codon 126 (p.Tyr126*) of the FTCD gene. It is expected to result in an absent or disrupted protein product. While this particular variant has not been reported in the literature, loss of function variants in FTCD are known to be pathogenic (PMID: 12815595). For these reasons, this variant has been classified as Pathogenic.

Literature cited by the submitters: PubMed 12815595.